The following is an entry in ClinVar:

NM_000934.4(SERPINF2):c.78C>T (p.Ser26=)

Gene: SERPINF2 (serpin family F member 2; plus strand). Cytogenetic location: 17p13.3.
Variant type: single nucleotide variant.
Coding change: c.78C>T on transcript NM_000934.4 (MANE Select); coding-DNA position 78, C replaced by T.
Protein change: p.Ser26=; no amino-acid change (serine 26 retained).
Molecular consequence: synonymous variant.
Genome position (GRCh38, 1-based): chr17:1,745,189, C>T. VCF-style: chr17-1745189-C-T. GRCh37 (hg19) VCF-style: chr17-1648483-C-T.
Other names: c.78C>T, p.Ser26= (NM_001165920.1, NM_001165921.2).
Identifiers: ClinVar variation 728494 (VCV000728494.4), dbSNP rs764369234, ClinGen allele CA8274043.

ClinVar aggregate classification (germline): Likely benign. Review status: criteria provided, single submitter (1 of 4 stars). 2 submissions from 2 submitters: Likely benign (1). 1 of the submissions does not count toward it. Last evaluated 2018-05-02.

Conditions:
SERPINF2-related disorder. Also called: SERPINF2-related condition.

Allele frequency attached by ClinVar (database versions not stated): ExAC 0.00003; gnomAD exomes 0.00004 and 0.00007; gnomAD 0.00006; TOPMed 0.00009.
gnomAD v4.1: 75 of 1,567,924 alleles (0.0048%); highest among the groups gnomAD compares: Admixed American, 0.0096%; no homozygotes.

Submissions (2):

Labcorp Genetics (formerly Invitae), Labcorp
Classification: Likely benign. Last evaluated: 2018-05-02. Review status: criteria provided, single submitter. Criteria: Invitae Variant Classification Sherloc (09022015). Collection method: clinical testing. Allele origin: germline.

PreventionGenetics, part of Exact Sciences
Classification: Likely benign for SERPINF2-related condition. Last evaluated: 2024-04-10. Review status: no assertion criteria provided. Collection method: clinical testing. Allele origin: germline. Not counted in ClinVar's aggregate classification.
Comment: This variant is classified as likely benign based on ACMG/AMP sequence variant interpretation guidelines (Richards et al. 2015 PMID: 25741868, with internal and published modifications).